The following is an entry in ClinVar:

ClinVar aggregate classification (germline): Conflicting classifications of pathogenicity. Review status: criteria provided, conflicting classifications (1 of 4 stars). 3 submissions from 3 submitters: Uncertain significance (2); Likely benign (1). Last evaluated 2025-12-13.

Conditions:
Familial encephalopathy with neuroserpin inclusion bodies. Also called: ENCEPHALOPATHY, FAMILIAL, WITH COLLINS BODIES. Identifiers: Orphanet 85110, MedGen C1858680, MONDO:0011412, OMIM 604218.
Inborn genetic diseases. Identifiers: MedGen C0950123, MeSH D030342.

Allele frequency attached by ClinVar (database versions not stated): gnomAD exomes 0.00002 and 0.00007; ESP Exome Variant Server 0.00008; ExAC 0.00010; gnomAD 0.00026; TOPMed 0.00036; 1000 Genomes Project 0.00040; 1000 Genomes Project 30x 0.00047.
gnomAD v4.1: 73 of 1,614,030 alleles (0.0045%); highest among the groups gnomAD compares: African/African-American, 0.069%; no homozygotes.

Submissions (3):

Labcorp Genetics (formerly Invitae), Labcorp
Classification: Uncertain significance for Familial encephalopathy with neuroserpin inclusion bodies. Last evaluated: 2025-12-13. Review status: criteria provided, single submitter. Criteria: Invitae Variant Classification Sherloc (09022015). Collection method: clinical testing. Allele origin: germline.
Comment: This sequence change replaces asparagine, which is neutral and polar, with isoleucine, which is neutral and non-polar, at codon 83 of the SERPINI1 protein (p.Asn83Ile). This variant is present in population databases (rs150681002, gnomAD 0.07%), and has an allele count higher than expected for a pathogenic variant. This variant has not been reported in the literature in individuals affected with SERPINI1-related conditions. ClinVar contains an entry for this variant (Variation ID: 534956). An algorithm developed to predict the effect of missense changes on protein structure and function (PolyPhen-2) suggests that this variant is likely to be tolerated. In summary, the available evidence is currently insufficient to determine the role of this variant in disease. Therefore, it has been classified as a Variant of Uncertain Significance.

Ambry Genetics
Classification: Likely benign for Inborn genetic diseases. Last evaluated: 2024-04-09. Review status: criteria provided, single submitter. Criteria: Ambry Variant Classification Scheme 2023. Collection method: clinical testing. Allele origin: germline.

Revvity Omics, Revvity
Classification: Uncertain significance for Familial encephalopathy with neuroserpin inclusion bodies. Last evaluated: 2023-04-12. Review status: criteria provided, single submitter. Criteria: ACMG Guidelines, 2015. Collection method: clinical testing. Allele origin: germline.

NM_001122752.2(SERPINI1):c.248A>T (p.Asn83Ile)

Gene: SERPINI1 (serpin family I member 1; plus strand). Cytogenetic location: 3q26.1.
Variant type: single nucleotide variant.
Coding change: c.248A>T on transcript NM_001122752.2 (MANE Select); coding-DNA position 248, A replaced by T.
Protein change: p.Asn83Ile; replaces asparagine 83 with isoleucine.
Molecular consequence: missense variant.
Genome position (GRCh38, 1-based): chr3:167,789,376, A>T. VCF-style: chr3-167789376-A-T. GRCh37 (hg19) VCF-style: chr3-167507164-A-T.
Other names: c.248A>T, p.Asn83Ile (NM_005025.5); short protein forms N83I.
Identifiers: ClinVar variation 534956 (VCV000534956.12), dbSNP rs150681002, ClinGen allele CA2694753.